The following is an entry in ClinVar:

ClinVar aggregate classification (germline): Uncertain significance (1 of 4 stars; one submission).

Conditions:
Early Myoclonic Encephalopathy. Identifiers: MedGen C0270855.

Submission:

Labcorp Genetics (formerly Invitae), Labcorp
Classification: Uncertain significance for Early Myoclonic Encephalopathy. Last evaluated: 2024-10-28. Review status: criteria provided, single submitter. Criteria: Invitae Variant Classification Sherloc (09022015). Collection method: clinical testing. Allele origin: germline.
Comment: This variant, c.6367_6369del, results in the deletion of 1 amino acid(s) of the JMJD1C protein (p.Pro2123del), but otherwise preserves the integrity of the reading frame. This variant is present in population databases (rs781226636, gnomAD 0.05%). This variant has not been reported in the literature in individuals affected with JMJD1C-related conditions. Experimental studies and prediction algorithms are not available or were not evaluated, and the functional significance of this variant is currently unknown. In summary, the available evidence is currently insufficient to determine the role of this variant in disease. Therefore, it has been classified as a Variant of Uncertain Significance.

NM_032776.3(JMJD1C):c.6364CCA[1] (p.Pro2123del)

Gene: JMJD1C (jumonji domain containing 1C; minus strand). Cytogenetic location: 10q21.3.
Variant type: Microsatellite.
Coding change: c.6364CCA[1] on transcript NM_032776.3 (MANE Select); one copy of the 3-base unit CCA starting at c.6364; the reference has two copies in a row; one copy, 3 bases deleted.
Protein change: p.Pro2123del; deletes proline 2123.
Molecular consequence: inframe deletion. On other transcripts: non-coding transcript variant (1).
Genome position (GRCh38, 1-based): chr10:63,189,369-63,189,371, TGG deleted on the plus strand (CCA on the coding strand, the reverse complement: JMJD1C is on the minus strand); deleting any 3 consecutive bases within chr10:63,189,369-63,189,374 gives the same sequence; the position shown is the placement nearest the transcript's 3' end. VCF-style (leftmost placement, unchanged base first): chr10-63189368-TTGG-T. GRCh37 (hg19) VCF-style: chr10-64949128-TTGG-T.
Other names: c.5818CCA[1], p.Pro1941del (NM_001282948.2, NM_001318154.2); c.5500CCA[1], p.Pro1835del (NM_001318153.2); c.6250CCA[1], p.Pro2085del (NM_001322252.2); c.5707CCA[1], p.Pro1904del (NM_001322254.2, NM_001322258.2); short protein forms P1941del, P1835del, P1904del, P2085del, P2123del.
Identifiers: ClinVar variation 2047495 (VCV002047495.4), dbSNP rs781226636, ClinGen allele CA5517884.